The following is an entry in ClinVar:

NM_005631.5(SMO):c.1731C>T (p.His577=)

Gene: SMO (smoothened, frizzled class receptor; plus strand). Cytogenetic location: 7q32.1.
Variant type: single nucleotide variant.
Coding change: c.1731C>T on transcript NM_005631.5 (MANE Select); coding-DNA position 1731, C replaced by T.
Protein change: p.His577=; no amino-acid change (histidine 577 retained).
Molecular consequence: synonymous variant.
Genome position (GRCh38, 1-based): chr7:129,211,043, C>T. VCF-style: chr7-129211043-C-T. GRCh37 (hg19) VCF-style: chr7-128850884-C-T.
Identifiers: ClinVar variation 727537 (VCV000727537.8), dbSNP rs146040859, ClinGen allele CA4479473.

ClinVar aggregate classification (germline): Likely benign. Review status: criteria provided, multiple submitters, no conflicts (2 of 4 stars). 2 submissions from 2 submitters: Likely benign (2). Last evaluated 2026-03-01.

Allele frequency attached by ClinVar (database versions not stated): 1000 Genomes Project 30x 0.00031; 1000 Genomes Project 0.00040; gnomAD 0.00061 and 0.00064; TOPMed 0.00061; gnomAD exomes 0.00073; ESP Exome Variant Server 0.00115.
gnomAD v4.1: 1,155 of 1,614,020 alleles (0.072%); highest among the groups gnomAD compares: Non-Finnish European, 0.088%; no homozygotes.

Submissions (2):

CeGaT Center for Human Genetics Tuebingen
Classification: Likely benign. Last evaluated: 2026-03-01. Review status: criteria provided, single submitter. Criteria: CeGaT Center For Human Genetics Tuebingen Variant Classification Criteria Version 2. Collection method: clinical testing. Allele origin: germline. Affected: yes. Observed: 1 variant allele.
Comment: SMO: BP4, BP7

Labcorp Genetics (formerly Invitae), Labcorp
Classification: Likely benign. Last evaluated: 2019-12-31. Review status: criteria provided, single submitter. Criteria: Invitae Variant Classification Sherloc (09022015). Collection method: clinical testing. Allele origin: germline.